The following is an entry in ClinVar:

ClinVar aggregate classification (germline): Pathogenic (1 of 4 stars; one submission).

Conditions:
Developmental and epileptic encephalopathy, 2 (DEE2). Also called: CDKL5 deficiency disorder; INFANTILE SPASM SYNDROME, X-LINKED 2. Identifiers: Orphanet 1934, Orphanet 3451, Orphanet 505652, MedGen C4750718, MONDO:0010396, OMIM 300672.

Submission:

Institute of Human Genetics, University of Leipzig Medical Center
Classification: Pathogenic for Developmental and epileptic encephalopathy, 2. Last evaluated: 2025-03-04. Review status: criteria provided, single submitter. Criteria: ACMG Guidelines, 2015. Collection method: clinical testing. Allele origin: unknown. Inheritance: X-linked dominant inheritance. Affected: yes.
Comment: Criteria applied: PVS1,PM2

NM_001323289.2(CDKL5):c.2668del (p.Arg890fs)

Gene: CDKL5 (cyclin dependent kinase like 5; plus strand). Cytogenetic location: Xp22.13.
Variant type: Deletion.
Coding change: c.2668del on transcript NM_001323289.2 (MANE Select); coding-DNA position 2668, one base deleted (C; older notation c.2668delC).
Protein change: p.Arg890fs; shifts the reading frame from arginine 890.
Molecular consequence: frameshift variant.
Genome position (GRCh38, 1-based): chrX:18,628,542, C deleted; the last of 2 consecutive C bases (chrX:18,628,541-18,628,542); deleting either gives the same sequence. VCF-style (leftmost placement, unchanged base first): chrX-18628540-TC-T. GRCh37 (hg19) VCF-style: chrX-18646660-TC-T.
Other names: c.2668del, p.Arg890fs (NM_001037343.2, NM_003159.3); short protein forms R890fs.
Identifiers: ClinVar variation 3773729 (VCV003773729.2).